The following is an entry in ClinVar:

NM_002637.4(PHKA1):c.1366A>G (p.Lys456Glu)

Gene: PHKA1 (phosphorylase kinase regulatory subunit alpha 1; minus strand). Cytogenetic location: Xq13.1.
Variant type: single nucleotide variant.
Coding change: c.1366A>G on transcript NM_002637.4 (MANE Select); coding-DNA position 1366, A replaced by G.
Protein change: p.Lys456Glu; replaces lysine 456 with glutamic acid.
Molecular consequence: missense variant.
Genome position (GRCh38, 1-based): chrX:72,644,455, T>C on the plus strand (A>G on the coding strand, the complement: PHKA1 is on the minus strand). VCF-style: chrX-72644455-T-C. GRCh37 (hg19) VCF-style: chrX-71864305-T-C.
Other names: c.1366A>G, p.Lys456Glu (NM_001122670.2, NM_001172436.2); short protein forms K456E.
Identifiers: ClinVar variation 1423887 (VCV001423887.10), dbSNP rs868916849, ClinGen allele CA413592708.

ClinVar aggregate classification (germline): Uncertain significance (1 of 4 stars; one submission).

Conditions:
Glycogen storage disease IXd (GSD9D). Also called: GSD IXd; Muscle Phosphorylase Kinase Deficiency. Identifiers: Orphanet 715, MedGen C1845151, MONDO:0010362, OMIM 300559.

Allele frequency attached by ClinVar (database versions not stated): gnomAD exomes below 0.00001; TOPMed 0.00001; gnomAD 0.00004.
gnomAD v4.1: 6 of 1,207,320 alleles (0.0005%); highest among the groups gnomAD compares: African/African-American, 0.01%; no homozygotes.

Submission:

Labcorp Genetics (formerly Invitae), Labcorp
Classification: Uncertain significance for Glycogen storage disease IXd. Last evaluated: 2021-04-07. Review status: criteria provided, single submitter. Criteria: Invitae Variant Classification Sherloc (09022015). Collection method: clinical testing. Allele origin: germline.
Comment: This variant is not present in population databases (ExAC no frequency). In summary, the available evidence is currently insufficient to determine the role of this variant in disease. Therefore, it has been classified as a Variant of Uncertain Significance. Algorithms developed to predict the effect of missense changes on protein structure and function (SIFT, PolyPhen-2, Align-GVGD) all suggest that this variant is likely to be tolerated, but these predictions have not been confirmed by published functional studies and their clinical significance is uncertain. This variant has not been reported in the literature in individuals with PHKA1-related conditions. This sequence change replaces lysine with glutamic acid at codon 456 of the PHKA1 protein (p.Lys456Glu). The lysine residue is moderately conserved and there is a small physicochemical difference between lysine and glutamic acid.